The following is an entry in ClinVar:

NM_006087.4(TUBB4A):c.*633C>A

Gene: TUBB4A (tubulin beta 4A class IVa; minus strand). Cytogenetic location: 19p13.3.
Variant type: single nucleotide variant.
Coding change: c.*633C>A on transcript NM_006087.4 (MANE Select); 633 bases downstream of the stop codon, C replaced by A.
Molecular consequence: 3 prime UTR variant.
Genome position (GRCh38, 1-based): chr19:6,494,531, G>T on the plus strand (C>A on the coding strand, the complement: TUBB4A is on the minus strand). VCF-style: chr19-6494531-G-T. GRCh37 (hg19) VCF-style: chr19-6494542-G-T.
Other names: c.*633C>A (NM_001289123.2, NM_001289127.2, NM_001289129.2 and 2 more transcripts).
Identifiers: ClinVar variation 894559 (VCV000894559.4), dbSNP rs74383079, ClinGen allele CA304774686.

ClinVar aggregate classification (germline): Benign. Review status: criteria provided, single submitter (1 of 4 stars). 2 submissions from 1 submitter: Benign (2). Last evaluated 2018-01-13.

Conditions:
Torsion dystonia 4. Also called: DYT-TUBB4A (Autosomal Dominant Torsion Dystonia); DYSTONIA MUSCULORUM DEFORMANS 4. Identifiers: Orphanet 98805, MedGen C1851943, MONDO:0007493, OMIM 128101.
Leukodystrophy, hypomyelinating, 6. Also called: LEUKODYSTROPHY, HYPOMYELINATING, WITH ATROPHY OF THE BASAL GANGLIA AND CEREBELLUM; TUBB4A-Associated Leukodystrophy; Hypomyelination with Atrophy of Basal Ganglia and Cerebellum (H-ABC). Identifiers: Orphanet 139441, MedGen C2676244, MONDO:0012905, OMIM 612438.

Allele frequency attached by ClinVar (database versions not stated): gnomAD exomes 0.00026; 1000 Genomes Project 0.00839; TOPMed 0.00846.
gnomAD v4.1: 1,174 of 155,758 alleles (0.75%); highest among the groups gnomAD compares: African/African-American, 2.7%; 27 homozygotes.

Submissions (2):

Illumina Laboratory Services, Illumina
Classification: Benign for Leukodystrophy, hypomyelinating, 6. Last evaluated: 2018-01-13. Review status: criteria provided, single submitter. Criteria: ICSL Variant Classification Criteria 13 December 2019. Collection method: clinical testing. Allele origin: germline.
Comment: This variant was observed in the ICSL laboratory as part of a predisposition screen in an ostensibly healthy population. It had not been previously curated by ICSL or reported in the Human Gene Mutation Database (HGMD: prior to June 1st, 2018), and was therefore a candidate for classification through an automated scoring system. Utilizing variant allele frequency, disease prevalence and penetrance estimates, and inheritance mode, an automated score was calculated to assess if this variant is too frequent to cause the disease. Based on the score and internal cut-off values, a variant classified as benign is not then subjected to further curation. The score for this variant resulted in a classification of benign for this disease.

Illumina Laboratory Services, Illumina
Classification: Benign for Torsion dystonia 4. Last evaluated: 2018-01-13. Review status: criteria provided, single submitter. Criteria: ICSL Variant Classification Criteria 13 December 2019. Collection method: clinical testing. Allele origin: germline.
Comment: the same text as in the submission from Illumina Laboratory Services, Illumina above.